The following is an entry in ClinVar:

ClinVar aggregate classification (germline): Uncertain significance (1 of 4 stars; one submission).

Allele frequency attached by ClinVar (database versions not stated): gnomAD 0.00009; TOPMed 0.00009; ESP Exome Variant Server 0.00015.
gnomAD v4.1: 110 of 1,614,050 alleles (0.0068%); highest among the groups gnomAD compares: African/African-American, 0.016%; no homozygotes.

Submission:

Labcorp Genetics (formerly Invitae), Labcorp
Classification: Uncertain significance. Last evaluated: 2022-07-11. Review status: criteria provided, single submitter. Criteria: Invitae Variant Classification Sherloc (09022015). Collection method: clinical testing. Allele origin: germline.
Comment: This sequence change replaces arginine, which is basic and polar, with cysteine, which is neutral and slightly polar, at codon 742 of the ADAMTS17 protein (p.Arg742Cys). This variant is present in population databases (rs149692828, gnomAD 0.02%). This variant has not been reported in the literature in individuals affected with ADAMTS17-related conditions. ClinVar contains an entry for this variant (Variation ID: 1417013). Algorithms developed to predict the effect of missense changes on protein structure and function are either unavailable or do not agree on the potential impact of this missense change (SIFT: "Not Available"; PolyPhen-2: "Probably Damaging"; Align-GVGD: "Not Available"). Algorithms developed to predict the effect of sequence changes on RNA splicing suggest that this variant may disrupt the consensus splice site. In summary, the available evidence is currently insufficient to determine the role of this variant in disease. Therefore, it has been classified as a Variant of Uncertain Significance.

NM_139057.4(ADAMTS17):c.2224C>T (p.Arg742Cys)

Gene: ADAMTS17 (ADAM metallopeptidase with thrombospondin type 1 motif 17; minus strand). Cytogenetic location: 15q26.3.
Variant type: single nucleotide variant.
Coding change: c.2224C>T on transcript NM_139057.4 (MANE Select); coding-DNA position 2224, C replaced by T.
Protein change: p.Arg742Cys; replaces arginine 742 with cysteine.
Molecular consequence: missense variant.
Genome position (GRCh38, 1-based): chr15:100,053,968, G>A on the plus strand (C>T on the coding strand, the complement: ADAMTS17 is on the minus strand). VCF-style: chr15-100053968-G-A. GRCh37 (hg19) VCF-style: chr15-100594173-G-A.
Other names: short protein forms R742C.
Identifiers: ClinVar variation 1417013 (VCV001417013.3), dbSNP rs149692828, ClinGen allele CA7757820.
Genomic context (GRCh38, chr15:100,053,968, plus strand): 5'-GCGGTAGTTTGGTTGGTCCCTTGGCAGAGATCTTCTCCCACAGCCCCCTTCTCACATAGC[G>A]AACAGTTGTGCCTGCAATCTGGAACTCTCCGGGGAGCTCTATCTTCCAGTCACTGTTGAT-3'
Protein context (NP_620688.2, residues 732-752): GEFQIAGTTV[Arg742Cys]YVRRGLWEKI